The following is an entry in ClinVar:

ClinVar aggregate classification (germline): Conflicting classifications of pathogenicity. Review status: criteria provided, conflicting classifications (1 of 4 stars). 3 submissions from 3 submitters: Uncertain significance (2); Benign (1). Last evaluated 2025-09-25.

Conditions:
Hereditary cancer-predisposing syndrome. Also called: Hereditary Cancer Syndrome; Neoplastic Syndromes, Hereditary; Tumor predisposition; Hereditary neoplastic syndrome. Identifiers: Orphanet 140162, MedGen C0027672, MeSH D009386, MONDO:0015356.
Fanconi anemia complementation group O. Also called: RAD51C-Related Fanconi Anemia. Identifiers: Orphanet 84, MedGen C3150653, MONDO:0013248, OMIM 613390.

Submissions (3):

Ambry Genetics
Classification: Benign for Hereditary cancer-predisposing syndrome. Last evaluated: 2025-09-25. Review status: criteria provided, single submitter. Criteria: Ambry Variant Classification Scheme 2023. Collection method: clinical testing. Allele origin: germline.

Labcorp Genetics (formerly Invitae), Labcorp
Classification: Uncertain significance for Fanconi anemia complementation group O. Last evaluated: 2024-08-28. Review status: criteria provided, single submitter. Criteria: Invitae Variant Classification Sherloc (09022015). Collection method: clinical testing. Allele origin: germline.
Comment: This sequence change replaces cysteine, which is neutral and slightly polar, with tyrosine, which is neutral and polar, at codon 335 of the RAD51C protein (p.Cys335Tyr). This variant is not present in population databases (gnomAD no frequency). This variant has not been reported in the literature in individuals affected with RAD51C-related conditions. ClinVar contains an entry for this variant (Variation ID: 187588). Invitae Evidence Modeling of protein sequence and biophysical properties (such as structural, functional, and spatial information, amino acid conservation, physicochemical variation, residue mobility, and thermodynamic stability) indicates that this missense variant is not expected to disrupt RAD51C protein function with a negative predictive value of 80%. In summary, the available evidence is currently insufficient to determine the role of this variant in disease. Therefore, it has been classified as a Variant of Uncertain Significance.

GeneDx
Classification: Uncertain significance. Last evaluated: 2024-01-02. Review status: criteria provided, single submitter. Criteria: GeneDx Variant Classification Process June 2021. Collection method: clinical testing. Allele origin: germline. Affected: yes.
Comment: Not observed at significant frequency in large population cohorts (gnomAD); In silico analysis supports that this missense variant does not alter protein structure/function; Has not been previously published as pathogenic or benign to our knowledge; This variant is associated with the following publications: (PMID: 14704354)

Literature cited by the submitters: PubMed 37253112 (cited by Ambry Genetics).

NM_058216.3(RAD51C):c.1004G>A (p.Cys335Tyr)

Gene: RAD51C (RAD51 paralog C; plus strand). Cytogenetic location: 17q22.
Variant type: single nucleotide variant.
Coding change: c.1004G>A on transcript NM_058216.3 (MANE Select); coding-DNA position 1004, G replaced by A.
Protein change: p.Cys335Tyr; replaces cysteine 335 with tyrosine.
Molecular consequence: missense variant. On other transcripts: non-coding transcript variant (1).
Genome position (GRCh38, 1-based): chr17:58,732,522, G>A. VCF-style: chr17-58732522-G-A. GRCh37 (hg19) VCF-style: chr17-56809883-G-A.
Other names: short protein forms C335Y.
Identifiers: ClinVar variation 187588 (VCV000187588.19), dbSNP rs786203846, ClinGen allele CA198025.